The following is an entry in ClinVar:

ClinVar aggregate classification (germline): Uncertain significance (1 of 4 stars; one submission).

Allele frequency attached by ClinVar (database versions not stated): TOPMed below 0.00001; gnomAD exomes 0.00001.
gnomAD v4.1: 16 of 1,614,148 alleles (0.00099%); highest among the groups gnomAD compares: Non-Finnish European, 0.0014%; no homozygotes.

Submission:

Labcorp Genetics (formerly Invitae), Labcorp
Classification: Uncertain significance. Last evaluated: 2023-11-19. Review status: criteria provided, single submitter. Criteria: Invitae Variant Classification Sherloc (09022015). Collection method: clinical testing. Allele origin: germline.
Comment: This sequence change replaces threonine, which is neutral and polar, with isoleucine, which is neutral and non-polar, at codon 5157 of the HMCN1 protein (p.Thr5157Ile). This variant is present in population databases (no rsID available, gnomAD 0.0009%). This variant has not been reported in the literature in individuals affected with HMCN1-related conditions. Algorithms developed to predict the effect of missense changes on protein structure and function output the following: SIFT: "Not Available"; PolyPhen-2: "Benign"; Align-GVGD: "Not Available". The isoleucine amino acid residue is found in multiple mammalian species, which suggests that this missense change does not adversely affect protein function. In summary, the available evidence is currently insufficient to determine the role of this variant in disease. Therefore, it has been classified as a Variant of Uncertain Significance.

NM_031935.3(HMCN1):c.15470C>T (p.Thr5157Ile)

Gene: HMCN1 (hemicentin 1; plus strand). Cytogenetic location: 1q31.1.
Variant type: single nucleotide variant.
Coding change: c.15470C>T on transcript NM_031935.3 (MANE Select); coding-DNA position 15470, C replaced by T.
Protein change: p.Thr5157Ile; replaces threonine 5157 with isoleucine.
Molecular consequence: missense variant.
Genome position (GRCh38, 1-based): chr1:186,166,838, C>T. VCF-style: chr1-186166838-C-T. GRCh37 (hg19) VCF-style: chr1-186135970-C-T.
Other names: short protein forms T5157I.
Identifiers: ClinVar variation 2880933 (VCV002880933.3), dbSNP rs1286169755, ClinGen allele CA343930056.